The following is an entry in ClinVar:

NM_003738.5(PTCH2):c.2381C>G (p.Ala794Gly)

Gene: PTCH2 (patched 2; minus strand). Cytogenetic location: 1p34.1.
Variant type: single nucleotide variant.
Coding change: c.2381C>G on transcript NM_003738.5 (MANE Select); coding-DNA position 2381, C replaced by G.
Protein change: p.Ala794Gly; replaces alanine 794 with glycine.
Molecular consequence: missense variant.
Genome position (GRCh38, 1-based): chr1:44,827,300, G>C on the plus strand (C>G on the coding strand, the complement: PTCH2 is on the minus strand). VCF-style: chr1-44827300-G-C. GRCh37 (hg19) VCF-style: chr1-45292972-G-C.
Other names: c.2381C>G, p.Ala794Gly (NM_001166292.2); short protein forms A794G.
Identifiers: ClinVar variation 1715178 (VCV001715178.6), dbSNP rs762341119, ClinGen allele CA340095695.
Genomic context (GRCh38, chr1:44,827,300, plus strand): 5'-GAGCCATTGCGGTACGAGTGGCGGGTGATGCGCCCAGAAGCCCAGTCCTGGTCAAAGGCA[G>C]CCTGGATTCCTGGGGGAGACCAGGATAGGGTTCTATTAGCTGGTGGCCCCAGGGCGTTTC-3'
Protein context (NP_003729.3, residues 784-804): YYRNWLQGIQ[Ala794Gly]AFDQDWASGR

ClinVar aggregate classification (germline): Uncertain significance (1 of 4 stars; one submission).

Conditions:
Gorlin syndrome. Also called: Nevoid Basal Cell Carcinoma Syndrome; Basal cell nevus syndrome. Identifiers: Orphanet 377, MedGen C0004779, MONDO:0007187.

Submission:

Labcorp Genetics (formerly Invitae), Labcorp
Classification: Uncertain significance for Gorlin syndrome. Last evaluated: 2022-08-05. Review status: criteria provided, single submitter. Criteria: Invitae Variant Classification Sherloc (09022015). Collection method: clinical testing. Allele origin: germline.
Comment: This variant has not been reported in the literature in individuals affected with PTCH2-related conditions. This variant is not present in population databases (gnomAD no frequency). This sequence change replaces alanine, which is neutral and non-polar, with glycine, which is neutral and non-polar, at codon 794 of the PTCH2 protein (p.Ala794Gly). In summary, the available evidence is currently insufficient to determine the role of this variant in disease. Therefore, it has been classified as a Variant of Uncertain Significance. Algorithms developed to predict the effect of missense changes on protein structure and function (SIFT, PolyPhen-2, Align-GVGD) all suggest that this variant is likely to be tolerated.